The following is an entry in ClinVar:

NM_000439.5(PCSK1):c.1456A>G (p.Ile486Val)

Genes: CAST (calpastatin; plus strand), PCSK1 (proprotein convertase subtilisin/kexin type 1; minus strand), LOC101929710 (uncharacterized LOC101929710; plus strand). Cytogenetic location: 5q15.
Variant type: single nucleotide variant.
Coding change: c.1456A>G on transcript NM_000439.5 (MANE Select); coding-DNA position 1456, A replaced by G.
Protein change: p.Ile486Val; replaces isoleucine 486 with valine.
Molecular consequence: missense variant. On other transcripts: intron variant (11).
Genome position (GRCh38, 1-based): chr5:96,399,011, T>C on the plus strand (A>G on the coding strand, the complement: PCSK1 is on the minus strand). VCF-style: chr5-96399011-T-C. GRCh37 (hg19) VCF-style: chr5-95734715-T-C.
Other names: c.1315A>G, p.Ile439Val (NM_001177875.2); c.-175+19359T>C (NM_001423254.1, NM_001423259.1, NM_001423255.1 and 6 more transcripts); c.-103+19359T>C (NM_001423253.1); c.-40+19359T>C (NM_001423258.1); short protein forms I439V, I486V.
Identifiers: ClinVar variation 4978830 (VCV004978830.1).

ClinVar aggregate classification (germline): Uncertain significance (1 of 4 stars; one submission).

Conditions:
PCSK1-related disorder. Also called: PCSK1-related condition.

Submission:

PreventionGenetics, part of Exact Sciences
Classification: Uncertain significance for PCSK1-related condition. Last evaluated: 2025-05-13. Review status: criteria provided, single submitter. Criteria: ACMG Guidelines, 2015. Collection method: clinical testing. Allele origin: germline.
Comment: The PCSK1 c.1456A>G variant is predicted to result in the amino acid substitution p.Ile486Val. To our knowledge, this variant has not been reported in the literature or in a large population database (gnomAD), indicating this variant is rare. At this time, the clinical significance of this variant is uncertain due to the absence of conclusive functional and genetic evidence.